The following is an entry in ClinVar:

ClinVar aggregate classification (germline): Likely benign. Review status: criteria provided, multiple submitters, no conflicts (2 of 4 stars). 6 submissions from 5 submitters: Likely benign (5). 1 of the submissions does not count toward it. Last evaluated 2026-01-20.

Conditions:
Usher syndrome type 2A. Also called: RETINAL DISEASE IN USHER SYNDROME TYPE IIA, MODIFIER OF; USHER SYNDROME, TYPE IIA. Identifiers: Orphanet 231178, Orphanet 886, MedGen C1848634, MONDO:0010169, OMIM 276901.
Retinitis pigmentosa 39 (RP39). Identifiers: Orphanet 791, MedGen C3151138, MONDO:0013436, OMIM 613809.

Allele frequency attached by ClinVar (database versions not stated): gnomAD below 0.00001 and 0.00001; gnomAD exomes 0.00003 and 0.00006; ExAC 0.00007.
gnomAD v4.1: 47 of 1,613,956 alleles (0.0029%); highest among the groups gnomAD compares: South Asian, 0.05%; 1 homozygote.

Submissions (6):

Labcorp Genetics (formerly Invitae), Labcorp
Classification: Likely benign. Last evaluated: 2026-01-20. Review status: criteria provided, single submitter. Criteria: Invitae Variant Classification Sherloc (09022015). Collection method: clinical testing. Allele origin: germline.

Blueprint Genetics
Classification: Likely benign. Last evaluated: 2024-03-22. Review status: criteria provided, single submitter. Criteria: ACMG Guidelines, 2015. Collection method: clinical testing. Allele origin: germline.

Genome-Nilou Lab
Classification: Likely benign for Retinitis pigmentosa 39. Last evaluated: 2023-11-04. Review status: criteria provided, single submitter. Criteria: ACMG Guidelines, 2015. Collection method: clinical testing. Allele origin: germline. Affected: no.

Genome-Nilou Lab
Classification: Likely benign for Usher syndrome type 2A. Last evaluated: 2023-11-04. Review status: criteria provided, single submitter. Criteria: ACMG Guidelines, 2015. Collection method: clinical testing. Allele origin: germline. Affected: no.

Laboratory for Molecular Medicine, Mass General Brigham Personalized Medicine
Classification: Likely benign. Last evaluated: 2015-07-05. Review status: criteria provided, single submitter. Criteria: LMM Criteria. Collection method: clinical testing. Allele origin: germline. Observed: 1 variant allele.
Comment: p.Asn925Asn in exon 13 of USH2A: This variant is not expected to have clinical s ignificance because it does not alter an amino acid residue and is not located w ithin the splice consensus sequence. It has been identified in 8/16510 South Asi an chromosomes by the Exome Aggregation Consortium (ExAC).

Counsyl
Classification: Likely benign for Usher syndrome type 2A; Retinitis pigmentosa 39. Last evaluated: 2017-08-18. Review status: no assertion criteria provided. Collection method: clinical testing. Allele origin: unknown. Not counted in ClinVar's aggregate classification.

NM_206933.4(USH2A):c.2775T>C (p.Asn925=)

Genes: USH2A (usherin; minus strand), LOC122152296 (Sharpr-MPRA regulatory region 8762; plus strand). Cytogenetic location: 1q41.
Variant type: single nucleotide variant.
Coding change: c.2775T>C on transcript NM_206933.4 (MANE Select); coding-DNA position 2775, T replaced by C.
Protein change: p.Asn925=; no amino-acid change (asparagine 925 retained).
Molecular consequence: synonymous variant.
Genome position (GRCh38, 1-based): chr1:216,246,619, A>G on the plus strand (T>C on the coding strand, the complement: USH2A is on the minus strand). VCF-style: chr1-216246619-A-G. GRCh37 (hg19) VCF-style: chr1-216419961-A-G.
Other names: c.2775T>C, p.Asn925= (NM_007123.6).
Identifiers: ClinVar variation 228211 (VCV000228211.17), dbSNP rs779331611, ClinGen allele CA1396170.